The following is an entry in ClinVar:

ClinVar aggregate classification (germline): Uncertain significance (1 of 4 stars; one submission).

Conditions:
Chuvash polycythemia. Also called: POLYCYTHEMIA, VHL-DEPENDENT. Identifiers: Orphanet 238557, MedGen C1837915, MONDO:0009892, OMIM 263400.
Von Hippel-Lindau syndrome (VHLS). Also called: von Hippel–Lindau syndrome; Von Hippel-Lindau; VHL syndrome. Identifiers: Orphanet 892, MedGen C0019562, MONDO:0008667, OMIM 193300. Disease mechanism: loss of function.

Submission:

Labcorp Genetics (formerly Invitae), Labcorp
Classification: Uncertain significance for Von Hippel-Lindau syndrome; Chuvash polycythemia. Last evaluated: 2024-05-06. Review status: criteria provided, single submitter. Criteria: Invitae Variant Classification Sherloc (09022015). Collection method: clinical testing. Allele origin: germline.
Comment: This sequence change falls in intron 1 of the VHL gene. It is not expected to change the encoded amino acid sequence of the VHL protein. However, this sequence change falls within a cryptic exon in the VHL gene, known as exon E1’, which is naturally expressed at low levels in several human tissues (PMID: 29891534). This variant is not present in population databases (gnomAD no frequency). This variant has not been reported in the literature in individuals affected with VHL-related conditions. ClinVar contains an entry for this variant (Variation ID: 1442097). Experimental studies and prediction algorithms are not available or were not evaluated, and the functional significance of this variant is currently unknown. Algorithms developed to predict the effect of sequence changes on RNA splicing suggest that this variant is not likely to affect RNA splicing. In summary, the available evidence is currently insufficient to determine the role of this variant in disease. Therefore, it has been classified as a Variant of Uncertain Significance.

Literature cited by the submitters: PubMed 29891534.

NM_000551.4(VHL):c.340+726C>G

Genes: VHL (von Hippel-Lindau tumor suppressor; plus strand), LOC107303340 (3p25 von Hippel-Lindau tumor suppressor, E3 ubiquitin protein ligase Alu-mediated recombination region; plus strand). Cytogenetic location: 3p25.3.
Variant type: single nucleotide variant.
Coding change: c.340+726C>G on transcript NM_000551.4 (MANE Select); 726 bases into the intron after coding-DNA position 340, C replaced by G.
Molecular consequence: intron variant. On other transcripts: missense variant (1).
Genome position (GRCh38, 1-based): chr3:10,142,913, C>G. VCF-style: chr3-10142913-C-G. GRCh37 (hg19) VCF-style: chr3-10184597-C-G.
Other names: c.491C>G, p.Thr164Ser (NM_001354723.2); c.340+726C>G (NM_198156.3); short protein forms T164S.
Identifiers: ClinVar variation 1442097 (VCV001442097.8), dbSNP rs1575923399, ClinGen allele CA1345067419.